The following is an entry in ClinVar:

ClinVar aggregate classification (germline): Likely benign. Review status: criteria provided, multiple submitters, no conflicts (2 of 4 stars). 2 submissions from 2 submitters: Likely benign (2). Last evaluated 2018-06-16.

Conditions:
Neuronal ceroid lipofuscinosis 7 (CLN7). Also called: MFSD8-Related Neuronal Ceroid-Lipofuscinosis. Identifiers: Orphanet 168491, Orphanet 228366, MedGen C1838571, MONDO:0012588, OMIM 610951.

Allele frequency attached by ClinVar (database versions not stated): 1000 Genomes Project 0.00399; 1000 Genomes Project 30x 0.00468; gnomAD 0.00610; TOPMed 0.00800.
gnomAD v4.1: 2,941 of 476,002 alleles (0.62%); highest among the groups gnomAD compares: Admixed American, 3%; 41 homozygotes.

Submissions (2):

GeneDx
Classification: Likely benign. Last evaluated: 2018-06-16. Review status: criteria provided, single submitter. Criteria: GeneDx Variant Classification Process June 2021. Collection method: clinical testing. Allele origin: germline. Affected: yes.

Illumina Laboratory Services, Illumina
Classification: Likely benign for Neuronal ceroid lipofuscinosis 7. Last evaluated: 2018-01-13. Review status: criteria provided, single submitter. Criteria: ICSL Variant Classification Criteria 13 December 2019. Collection method: clinical testing. Allele origin: germline.
Comment: This variant was observed in the ICSL laboratory as part of a predisposition screen in an ostensibly healthy population. It had not been previously curated by ICSL or reported in the Human Gene Mutation Database (HGMD: prior to June 1st, 2018), and was therefore a candidate for classification through an automated scoring system. Utilizing variant allele frequency, disease prevalence and penetrance estimates, and inheritance mode, an automated score was calculated to assess if this variant is too frequent to cause the disease. Based on the score and internal cut-off values, a variant classified as likely benign is not then subjected to further curation. The score for this variant resulted in a classification of likely benign for this disease.

NM_001371596.2(MFSD8):c.*258A>C

Gene: MFSD8 (major facilitator superfamily domain containing 8; minus strand). Cytogenetic location: 4q28.2.
Variant type: single nucleotide variant.
Coding change: c.*258A>C on transcript NM_001371596.2 (MANE Select); 258 bases downstream of the stop codon, A replaced by C.
Molecular consequence: 3 prime UTR variant.
Genome position (GRCh38, 1-based): chr4:127,920,372, T>G on the plus strand (A>C on the coding strand, the complement: MFSD8 is on the minus strand). VCF-style: chr4-127920372-T-G. GRCh37 (hg19) VCF-style: chr4-128841527-T-G.
Other names: c.*258A>C (NM_001371590.2, NM_001371591.2, NM_001371592.2 and 7 more transcripts); c.*1387A>C (NM_001410766.1).
Identifiers: ClinVar variation 347538 (VCV000347538.9), dbSNP rs151190415, ClinGen allele CA10620085.
Genomic context (GRCh38, chr4:127,920,372, plus strand): 5'-GTGGGTATTAAGAATACAGCTTCACATTTATTCATCATTGTCCATTCACTCATTAGTTCA[T>G]GCAACCACAAAAAGGTATTATAAGAATAATATTTCATTTCTGAGGTAAGGAAATTATCAT-3'